The following is an entry in ClinVar:

ClinVar aggregate classification (germline): Likely pathogenic (1 of 4 stars; one submission).

Conditions:
UV-sensitive syndrome 3 (UVSS3). Identifiers: Orphanet 178338, MedGen C3553328, MONDO:0013834, OMIM 614640.

gnomAD v4.1: 1 of 1,612,686 alleles (0.000062%); highest among the groups gnomAD compares: South Asian, 0.0011%; no homozygotes.

Submission:

Juno Genomics, Hangzhou Juno Genomics, Inc
Classification: Likely pathogenic for UV-sensitive syndrome 3. Review status: criteria provided, single submitter. Criteria: ACMG Guidelines, 2015. Collection method: clinical testing. Allele origin: germline.
Comment: Null variant in a gene where loss of function (LOF) is a known mechanism of disease.;Absent from controls (or at extremely low frequency if recessive) in Genome Aggregation Database.

NM_020894.4(UVSSA):c.1753-1G>C

Gene: UVSSA (UV stimulated scaffold protein A; plus strand). Cytogenetic location: 4p16.3.
Variant type: single nucleotide variant.
Coding change: c.1753-1G>C on transcript NM_020894.4 (MANE Select); the canonical splice acceptor site of the intron before coding-DNA position 1753, G replaced by C.
Molecular consequence: splice acceptor variant.
Genome position (GRCh38, 1-based): chr4:1,380,879, G>C. VCF-style: chr4-1380879-G-C. GRCh37 (hg19) VCF-style: chr4-1374667-G-C.
Other names: c.1753-1G>C (NM_001317934.2, NM_001317935.2).
Identifiers: ClinVar variation 5006733 (VCV005006733.2).